The following is an entry in ClinVar:

ClinVar aggregate classification (germline): Uncertain significance (1 of 4 stars; one submission).

Allele frequency attached by ClinVar (database versions not stated): ExAC 0.00003.
gnomAD v4.1: 2 of 1,564,834 alleles (0.00013%); highest among the groups gnomAD compares: East Asian, 0.0023%; no homozygotes.

Submission:

Labcorp Genetics (formerly Invitae), Labcorp
Classification: Uncertain significance. Last evaluated: 2022-06-16. Review status: criteria provided, single submitter. Criteria: Invitae Variant Classification Sherloc (09022015). Collection method: clinical testing. Allele origin: germline.
Comment: In summary, the available evidence is currently insufficient to determine the role of this variant in disease. Therefore, it has been classified as a Variant of Uncertain Significance. Algorithms developed to predict the effect of missense changes on protein structure and function are either unavailable or do not agree on the potential impact of this missense change (SIFT: "Deleterious"; PolyPhen-2: "Probably Damaging"; Align-GVGD: "Class C15"). This variant has not been reported in the literature in individuals affected with PROSC-related conditions. The frequency data for this variant in the population databases is considered unreliable, as metrics indicate poor data quality at this position in the gnomAD database. This sequence change replaces arginine, which is basic and polar, with tryptophan, which is neutral and slightly polar, at codon 31 of the PROSC protein (p.Arg31Trp).

NM_007198.4(PLPBP):c.91C>T (p.Arg31Trp)

Genes: PLPBP (pyridoxal phosphate binding protein; plus strand), LOC113788277 (Sharpr-MPRA regulatory region 13802; plus strand). Cytogenetic location: 8p11.23.
Variant type: single nucleotide variant.
Coding change: c.91C>T on transcript NM_007198.4 (MANE Select); coding-DNA position 91, C replaced by T.
Protein change: p.Arg31Trp; replaces arginine 31 with tryptophan.
Molecular consequence: missense variant. On other transcripts: intron variant (1).
Genome position (GRCh38, 1-based): chr8:37,762,750, C>T. VCF-style: chr8-37762750-C-T. GRCh37 (hg19) VCF-style: chr8-37620268-C-T.
Other names: c.91C>T, p.Arg31Trp (NM_001349346.2, NM_001349347.2); c.196C>T, p.Arg66Trp (NM_001349349.1); c.-58+50C>T (NM_001349348.2); short protein forms R66W, R31W.
Identifiers: ClinVar variation 1996940 (VCV001996940.4), dbSNP rs761935500, ClinGen allele CA4711110.
Genomic context (GRCh38, chr8:37,762,750, plus strand): 5'-CTGGGAGTCGGGTGCGCATTGCGGGCGGTGAACGAGCGCGTGCAGCAGGCTGTGGCGCGG[C>T]GGCCGCGGGTGAGGAAGGAGGCTGCGTGGGGACGGTGGGCGGCCGCCTTGAGAAGAGGGA-3'
Protein context (NP_009129.1, residues 21-41): NERVQQAVAR[Arg31Trp]PRDLPAIQPR